The following is an entry in ClinVar:

NM_001371986.1(UNC80):c.5972C>G (p.Ser1991Cys)

Gene: UNC80 (unc-80 homolog, NALCN channel complex subunit; plus strand). Cytogenetic location: 2q34.
Variant type: single nucleotide variant.
Coding change: c.5972C>G on transcript NM_001371986.1 (MANE Select); coding-DNA position 5972, C replaced by G.
Protein change: p.Ser1991Cys; replaces serine 1991 with cysteine.
Molecular consequence: missense variant.
Genome position (GRCh38, 1-based): chr2:209,931,032, C>G. VCF-style: chr2-209931032-C-G. GRCh37 (hg19) VCF-style: chr2-210795756-C-G.
Other names: c.5774C>G, p.Ser1925Cys (NM_032504.2); c.5759C>G, p.Ser1920Cys (NM_182587.4); short protein forms S1920C, S1925C, S1991C.
Identifiers: ClinVar variation 1370108 (VCV001370108.3), dbSNP rs1377820770, ClinGen allele CA350767509.
Genomic context (GRCh38, chr2:209,931,032, plus strand): 5'-AGTTAATGTACATGCTGCGCAAACTTCTCTTGAATATTGGAGACTTTCCTGCTCAGACAT[C>G]TCACATCCTATTCAACTATTTGGTGAGTTATAAATGTTCATTTCCAATTACGAAGCAGCA-3'
Protein context (NP_001358915.1, residues 1981-2001): LNIGDFPAQT[Ser1991Cys]HILFNYLVGL

ClinVar aggregate classification (germline): Uncertain significance (1 of 4 stars; one submission).

Allele frequency attached by ClinVar (database versions not stated): gnomAD exomes below 0.00001 and 0.00001.
gnomAD v4.1: 4 of 1,550,198 alleles (0.00026%); highest among the groups gnomAD compares: Non-Finnish European, 0.00035%; no homozygotes.

Submission:

Labcorp Genetics (formerly Invitae), Labcorp
Classification: Uncertain significance. Last evaluated: 2022-08-09. Review status: criteria provided, single submitter. Criteria: Invitae Variant Classification Sherloc (09022015). Collection method: clinical testing. Allele origin: germline.
Comment: This sequence change replaces serine, which is neutral and polar, with cysteine, which is neutral and slightly polar, at codon 1925 of the UNC80 protein (p.Ser1925Cys). This variant is present in population databases (no rsID available, gnomAD 0.002%). This variant has not been reported in the literature in individuals affected with UNC80-related conditions. ClinVar contains an entry for this variant (Variation ID: 1370108). Algorithms developed to predict the effect of missense changes on protein structure and function are either unavailable or do not agree on the potential impact of this missense change (SIFT: "Not Available"; PolyPhen-2: "Probably Damaging"; Align-GVGD: "Not Available"). In summary, the available evidence is currently insufficient to determine the role of this variant in disease. Therefore, it has been classified as a Variant of Uncertain Significance.